The following is an entry in ClinVar:

ClinVar aggregate classification (germline): Uncertain significance. Review status: criteria provided, multiple submitters, no conflicts (2 of 4 stars). 2 submissions from 2 submitters: Uncertain significance (2). Last evaluated 2024-01-13.

Conditions:
Familial melanoma. Also called: Hereditary melanoma; Hereditary cutaneous melanoma. Identifiers: Orphanet 618, MedGen C1512419, MONDO:0018961.

Allele frequency attached by ClinVar (database versions not stated): TOPMed below 0.00001.

Submissions (2):

Labcorp Genetics (formerly Invitae), Labcorp
Classification: Uncertain significance for Familial melanoma. Last evaluated: 2024-01-13. Review status: criteria provided, single submitter. Criteria: Invitae Variant Classification Sherloc (09022015). Collection method: clinical testing. Allele origin: germline.
Comment: The CDKN2A gene encodes two different proteins, p16INK4a and p14ARF, which are translated from alternative transcripts with different open reading frames. Both transcripts have been analyzed. We report either the variant with the higher classification or default to the CDKN2A (p16INK4a) variant. This report therefore includes the details for the CDKN2A (p16INK4a) variant. This sequence change replaces proline, which is neutral and non-polar, with serine, which is neutral and polar, at codon 70 of the CDKN2A (p16INK4a) protein (p.Pro70Ser). This variant is not present in population databases (gnomAD no frequency). This variant has not been reported in the literature in individuals affected with CDKN2A (p16INK4a)-related conditions. This variant is also known as c.251C>T (p.Ala84Val) in the CDKN2A (p14ARF) transcript. ClinVar contains an entry for this variant (Variation ID: 1486509). An algorithm developed to predict the effect of missense changes on protein structure and function (PolyPhen-2) suggests that this variant is likely to be disruptive. In summary, the available evidence is currently insufficient to determine the role of this variant in disease. Therefore, it has been classified as a Variant of Uncertain Significance.

GeneDx
Classification: Uncertain significance. Last evaluated: 2023-07-11. Review status: criteria provided, single submitter. Criteria: GeneDx Variant Classification Process June 2021. Collection method: clinical testing. Allele origin: germline. Affected: yes.
Comment: Not observed at significant frequency in large population cohorts (gnomAD); In silico analysis supports that this missense variant has a deleterious effect on protein structure/function; Has not been previously published as pathogenic or benign to our knowledge

NM_000077.5(CDKN2A):c.208C>T (p.Pro70Ser)

Gene: CDKN2A (cyclin dependent kinase inhibitor 2A; minus strand). Cytogenetic location: 9p21.3.
Variant type: single nucleotide variant.
Coding change: c.208C>T on transcript NM_000077.5; coding-DNA position 208, C replaced by T.
Protein change: p.Pro70Ser; replaces proline 70 with serine.
Molecular consequence: missense variant (on NM_000077.6). On other transcripts: 3 prime UTR variant (1).
Genome position (GRCh38, 1-based): chr9:21,971,151, G>A on the plus strand (C>T on the coding strand, the complement: CDKN2A is on the minus strand). VCF-style: chr9-21971151-G-A. GRCh37 (hg19) VCF-style: chr9-21971150-G-A.
Other names: c.208C>T, p.Pro70Ser (NM_000077.6, NM_001195132.2); c.55C>T, p.Pro19Ser (NM_001363763.2); c.251C>T, p.Ala84Val (NM_058195.4); c.*131C>T (NM_058197.5); short protein forms A84V, P70S, P19S.
Identifiers: ClinVar variation 1486509 (VCV001486509.9), dbSNP rs1819718265, ClinGen allele CA373086326.